The following is an entry in ClinVar:

ClinVar aggregate classification (germline): Uncertain significance (1 of 4 stars; one submission).

Allele frequency attached by ClinVar (database versions not stated): ExAC 0.00001; gnomAD 0.00001; gnomAD exomes 0.00001 and 0.00003; TOPMed 0.00002; ESP Exome Variant Server 0.00008.
gnomAD v4.1: 49 of 1,613,634 alleles (0.003%); highest among the groups gnomAD compares: Non-Finnish European, 0.0039%; no homozygotes.

Submission:

Labcorp Genetics (formerly Invitae), Labcorp
Classification: Uncertain significance. Last evaluated: 2022-10-12. Review status: criteria provided, single submitter. Criteria: Invitae Variant Classification Sherloc (09022015). Collection method: clinical testing. Allele origin: germline.
Comment: This sequence change replaces arginine, which is basic and polar, with histidine, which is basic and polar, at codon 575 of the GPR179 protein (p.Arg575His). This variant is present in population databases (rs376028313, gnomAD 0.002%). This variant has not been reported in the literature in individuals affected with GPR179-related conditions. ClinVar contains an entry for this variant (Variation ID: 1011937). Algorithms developed to predict the effect of missense changes on protein structure and function are either unavailable or do not agree on the potential impact of this missense change (SIFT: "Deleterious"; PolyPhen-2: "Probably Damaging"; Align-GVGD: "Class C0"). In summary, the available evidence is currently insufficient to determine the role of this variant in disease. Therefore, it has been classified as a Variant of Uncertain Significance.

NM_001004334.4(GPR179):c.1724G>A (p.Arg575His)

Gene: GPR179 (G protein-coupled receptor 179; minus strand). Cytogenetic location: 17q12.
Variant type: single nucleotide variant.
Coding change: c.1724G>A on transcript NM_001004334.4 (MANE Select); coding-DNA position 1724, G replaced by A.
Protein change: p.Arg575His; replaces arginine 575 with histidine.
Molecular consequence: missense variant.
Genome position (GRCh38, 1-based): chr17:38,334,764, C>T on the plus strand (G>A on the coding strand, the complement: GPR179 is on the minus strand). VCF-style: chr17-38334764-C-T. GRCh37 (hg19) VCF-style: chr17-36490647-C-T.
Other names: short protein forms R575H.
Identifiers: ClinVar variation 1011937 (VCV001011937.6), dbSNP rs376028313, ClinGen allele CA290108461.
Genomic context (GRCh38, chr17:38,334,764, plus strand): 5'-CTGGCTGTGTGGAAGGCAGCGGAAAGCAGTAGCTCATTGTGCAGGGCGATGCCCATGTAG[C>T]GTGGCTCATGGAAGGCCGAGAGCACAGCCCGTGTGGCGTAGCAGAGGAAGCTGCCCCAGC-3'
Protein context (NP_001004334.3, residues 565-585): RAVLSAFHEP[Arg575His]YMGIALHNEL